The following is an entry in ClinVar:

NM_000053.4(ATP7B):c.2843G>T (p.Gly948Val)

Gene: ATP7B (ATPase copper transporting beta; minus strand). Cytogenetic location: 13q14.3.
Variant type: single nucleotide variant.
Coding change: c.2843G>T on transcript NM_000053.4 (MANE Select); coding-DNA position 2843, G replaced by T.
Protein change: p.Gly948Val; replaces glycine 948 with valine.
Molecular consequence: missense variant. On other transcripts: intron variant (6).
Genome position (GRCh38, 1-based): chr13:51,949,684, C>A on the plus strand (G>T on the coding strand, the complement: ATP7B is on the minus strand). VCF-style: chr13-51949684-C-A. GRCh37 (hg19) VCF-style: chr13-52523820-C-A.
Other names: c.2510G>T, p.Gly837Val (NM_001243182.2); c.2609G>T, p.Gly870Val (NM_001330578.2, NM_001406527.1, NM_001406528.1 and 1 more transcripts); c.2591G>T, p.Gly864Val (NM_001330579.2, NM_001406531.1, NM_001406532.1 and 1 more transcripts); c.2843G>T, p.Gly948Val (NM_001406511.1, NM_001406512.1, NM_001406513.1 and 3 more transcripts); c.2810G>T, p.Gly937Val (NM_001406514.1); c.2747G>T, p.Gly916Val (NM_001406517.1, NM_001406518.1); c.2699G>T, p.Gly900Val (NM_001406520.1, NM_001406521.1, NM_001406522.1 and 1 more transcripts); c.2666G>T, p.Gly889Val (NM_001406524.1); and 12 more; short protein forms G518V, G786V, G889V, G916V, G732V, G805V, G870V, G900V.
Identifiers: ClinVar variation 2567924 (VCV002567924.2), dbSNP rs1371525283, ClinGen allele CA388033318.

ClinVar aggregate classification (germline): Uncertain significance (1 of 4 stars; one submission).

Conditions:
Inborn genetic diseases. Identifiers: MedGen C0950123, MeSH D030342.

Submission:

Ambry Genetics
Classification: Uncertain significance for Inborn genetic diseases. Last evaluated: 2023-06-03. Review status: criteria provided, single submitter. Criteria: Ambry Variant Classification Scheme 2023. Collection method: clinical testing. Allele origin: germline.
Comment: The p.G948V variant (also known as c.2843G>T), located in coding exon 12 of the ATP7B gene, results from a G to T substitution at nucleotide position 2843. The glycine at codon 948 is replaced by valine, an amino acid with dissimilar properties. This amino acid position is conserved. In addition, the in silico prediction for this alteration is inconclusive. Since supporting evidence is limited at this time, the clinical significance of this alteration remains unclear.